The following is an entry in ClinVar:

NM_018489.3(ASH1L):c.8707C>T (p.Gln2903Ter)

Gene: ASH1L (ASH1 like histone lysine methyltransferase; minus strand). Cytogenetic location: 1q22.
Variant type: single nucleotide variant.
Coding change: c.8707C>T on transcript NM_018489.3 (MANE Select); coding-DNA position 8707, C replaced by T.
Protein change: p.Gln2903Ter; replaces glutamine 2903 with a stop codon.
Molecular consequence: nonsense.
Genome position (GRCh38, 1-based): chr1:155,338,185, G>A on the plus strand (C>T on the coding strand, the complement: ASH1L is on the minus strand). VCF-style: chr1-155338185-G-A. GRCh37 (hg19) VCF-style: chr1-155307976-G-A.
Other names: c.8722C>T, p.Gln2908Ter (NM_001366177.2); short protein forms Q2903*, Q2908*.
Identifiers: ClinVar variation 4813822 (VCV004813822.1).

ClinVar aggregate classification (germline): Likely pathogenic (1 of 4 stars; one submission).

Conditions:
Intellectual developmental disorder, autosomal dominant 52. Also called: Intellectual disability, autosomal dominant 52; Mental retardation, autosomal dominant 52. Identifiers: MedGen C4540478, MONDO:0030918, OMIM 617796.

Submission:

Variantyx, Inc.
Classification: Likely pathogenic for Intellectual developmental disorder, autosomal dominant 52. Last evaluated: 2025-10-10. Review status: criteria provided, single submitter. Criteria: Variantyx Assertion Criteria 2022. Collection method: clinical testing. Allele origin: germline. Inheritance: Autosomal dominant inheritance. Affected: yes.
Comment: This is a nonsense variant in the ASH1L gene (OMIM: 607999). Pathogenic variants in this gene have been associated with autosomal dominant intellectual developmental disorder 52. This variant introduces a premature termination codon in exon 27 out of 28 and is expected to result in loss of function, which is a known disease mechanism for ASH1L in this disorder (PMID: 28191889, 28263302, 25363760) (PVS1). This variant is absent from control populations (PM2) and it has not been reported in individuals with ASH1L-related disorders in the databases available for review. Based on the current evidence, this variant is classified as likely pathogenic for autosomal dominant intellectual developmental disorder 52.

Literature cited by the submitters: PubMed 28191889; PubMed 28263302; PubMed 25363760.